The following is an entry in ClinVar:

NC_000010.10:g.(?_120905748)_(120905865_?)dup

Gene: SFXN4 (sideroflexin 4; minus strand). Cytogenetic location: 10q26.11.
Variant type: Duplication.
Identifiers: ClinVar variation 2427788 (VCV002427788.3).

ClinVar aggregate classification (germline): Likely pathogenic (1 of 4 stars; one submission).

Submission:

Labcorp Genetics (formerly Invitae), Labcorp
Classification: Likely pathogenic. Last evaluated: 2022-07-05. Review status: criteria provided, single submitter. Criteria: Invitae Variant Classification Sherloc (09022015). Collection method: clinical testing. Allele origin: germline.
Comment: This variant results in a copy number gain of the genomic region encompassing exon(s) 13 of the SFXN4 gene. While the exact position of this variant cannot be determined from the data, sub-genic copy number gains are generally in tandem (PMID: 25640679). This variant is predicted to be out-of-frame, and may result in an absent or disrupted protein product. Loss-of-function variants in SFXN4 are known to be pathogenic (PMID: 24119684). This variant has not been reported in the literature in individuals affected with SFXN4-related conditions. In summary, the currently available evidence indicates that the variant is pathogenic, but additional data are needed to prove that conclusively. Therefore, this variant has been classified as Likely Pathogenic.

Literature cited by the submitters: PubMed 25640679; PubMed 24119684.